The following is an entry in ClinVar:

ClinVar aggregate classification (germline): Uncertain significance. Review status: criteria provided, multiple submitters, no conflicts (2 of 4 stars). 3 submissions from 3 submitters: Uncertain significance (3). Last evaluated 2024-09-18.

Conditions:
Hereditary cancer-predisposing syndrome. Also called: Tumor predisposition; Neoplastic Syndromes, Hereditary; Hereditary neoplastic syndrome; Hereditary Cancer Syndrome. Identifiers: Orphanet 140162, MedGen C0027672, MeSH D009386, MONDO:0015356.
Endometrial carcinoma. Also called: Endometrial carcinoma, somatic. Identifiers: MedGen C0476089, MONDO:0002447, OMIM 608089, HP:0012114.

Submissions (3):

Labcorp Genetics (formerly Invitae), Labcorp
Classification: Uncertain significance. Last evaluated: 2024-09-18. Review status: criteria provided, single submitter. Criteria: Invitae Variant Classification Sherloc (09022015). Collection method: clinical testing. Allele origin: germline.
Comment: This sequence change replaces glutamic acid, which is acidic and polar, with aspartic acid, which is acidic and polar, at codon 961 of the MSH3 protein (p.Glu961Asp). This variant is not present in population databases (gnomAD no frequency). This variant has not been reported in the literature in individuals affected with MSH3-related conditions. ClinVar contains an entry for this variant (Variation ID: 1016752). An algorithm developed to predict the effect of missense changes on protein structure and function (PolyPhen-2) suggests that this variant is likely to be tolerated. In summary, the available evidence is currently insufficient to determine the role of this variant in disease. Therefore, it has been classified as a Variant of Uncertain Significance.

Ambry Genetics
Classification: Uncertain significance for Hereditary cancer-predisposing syndrome. Last evaluated: 2023-10-04. Review status: criteria provided, single submitter. Criteria: Ambry Variant Classification Scheme 2023. Collection method: clinical testing. Allele origin: germline.
Comment: The p.E961D variant (also known as c.2883A>T), located in coding exon 21 of the MSH3 gene, results from an A to T substitution at nucleotide position 2883. The glutamic acid at codon 961 is replaced by aspartic acid, an amino acid with highly similar properties. This amino acid position is conserved. In addition, this alteration is predicted to be tolerated by in silico analysis. Since supporting evidence is limited at this time, the clinical significance of this alteration remains unclear.

Baylor Genetics
Classification: Uncertain significance for Endometrial carcinoma. Last evaluated: 2023-05-12. Review status: criteria provided, single submitter. Criteria: ACMG Guidelines, 2015. Collection method: clinical testing. Allele origin: unknown.

NM_002439.5(MSH3):c.2883A>T (p.Glu961Asp)

Gene: MSH3 (mutS homolog 3; plus strand). Cytogenetic location: 5q14.1.
Variant type: single nucleotide variant.
Coding change: c.2883A>T on transcript NM_002439.5 (MANE Select); coding-DNA position 2883, A replaced by T.
Protein change: p.Glu961Asp; replaces glutamic acid 961 with aspartic acid.
Molecular consequence: missense variant.
Genome position (GRCh38, 1-based): chr5:80,854,199, A>T. VCF-style: chr5-80854199-A-T. GRCh37 (hg19) VCF-style: chr5-80150018-A-T.
Other names: c.2883A>T (NM_002439.3); short protein forms E961D.
Identifiers: ClinVar variation 1016752 (VCV001016752.8), dbSNP rs1745877938, ClinGen allele CA360275611.